The following is an entry in ClinVar:

NM_000257.4(MYH7):c.1225G>A (p.Glu409Lys)

Gene: MYH7 (myosin heavy chain 7; minus strand). Cytogenetic location: 14q11.2.
Variant type: single nucleotide variant.
Coding change: c.1225G>A on transcript NM_000257.4 (MANE Select); coding-DNA position 1225, G replaced by A.
Protein change: p.Glu409Lys; replaces glutamic acid 409 with lysine.
Molecular consequence: missense variant.
Genome position (GRCh38, 1-based): chr14:23,429,261, C>T on the plus strand (G>A on the coding strand, the complement: MYH7 is on the minus strand). VCF-style: chr14-23429261-C-T. GRCh37 (hg19) VCF-style: chr14-23898470-C-T.
Other names: short protein forms E409K.
Identifiers: ClinVar variation 928575 (VCV000928575.1), dbSNP rs1892823735, ClinGen allele CA389051089.
Genomic context (GRCh38, chr14:23,429,261, plus strand): 5'-ACCCATTATCATCTGAAGATGGACCCACCTGCTGGACATTCTGCCCCTTGGTGACGTACT[C>T]ATTGCCCACTTTCACCCGAGGGTGGCACAGCCCCTTGAGCAGGTCGGCTGAGTTCAGCCC-3'
Protein context (NP_000248.2, residues 399-419): LCHPRVKVGN[Glu409Lys]YVTKGQNVQQ

ClinVar aggregate classification (germline): Uncertain significance (1 of 4 stars; one submission).

Submission:

Women's Health and Genetics/Laboratory Corporation of America, LabCorp
Classification: Uncertain significance. Last evaluated: 2019-04-30. Review status: criteria provided, single submitter. Criteria: LabCorp Variant Classification Summary - May 2015. Collection method: clinical testing. Allele origin: germline.
Comment: Variant summary: MYH7 c.1225G>A (p.Glu409Lys) results in a conservative amino acid change located in the Myosin head, motor domain (IPR001609) of the encoded protein sequence. Four of five in-silico tools predict a damaging effect of the variant on protein function. The variant was absent in 251480 control chromosomes (gnomAD). The available data on variant occurrences in the general population are insufficient to allow any conclusion about variant significance. To our knowledge, no occurrence of c.1225G>A in individuals affected with Cardiomyopathy and no experimental evidence demonstrating its impact on protein function have been reported. No clinical diagnostic laboratories have submitted clinical-significance assessments for this variant to ClinVar after 2014. Based on the evidence outlined above, the variant was classified as uncertain significance.